The following is an entry in ClinVar:

ClinVar aggregate classification (germline): Likely benign (1 of 4 stars; one submission).

gnomAD v4.1: 45 of 1,612,278 alleles (0.0028%); highest among the groups gnomAD compares: South Asian, 0.045%; no homozygotes.

Submission:

CeGaT Center for Human Genetics Tuebingen
Classification: Likely benign. Last evaluated: 2024-12-01. Review status: criteria provided, single submitter. Criteria: CeGaT Center For Human Genetics Tuebingen Variant Classification Criteria Version 2. Collection method: clinical testing. Allele origin: germline. Affected: yes. Observed: 1 variant allele.
Comment: TRIO: BP4, BP7

NM_007118.4(TRIO):c.8661C>T (p.Leu2887=)

Gene: TRIO (trio Rho guanine nucleotide exchange factor; plus strand). Cytogenetic location: 5p15.2.
Variant type: single nucleotide variant.
Coding change: c.8661C>T on transcript NM_007118.4 (MANE Select); coding-DNA position 8661, C replaced by T.
Protein change: p.Leu2887=; no amino-acid change (leucine 2887 retained).
Molecular consequence: synonymous variant. On other transcripts: non-coding transcript variant (1).
Genome position (GRCh38, 1-based): chr5:14,507,170, C>T. VCF-style: chr5-14507170-C-T. GRCh37 (hg19) VCF-style: chr5-14507279-C-T.
Identifiers: ClinVar variation 3771325 (VCV003771325.13).